The following is an entry in ClinVar:

NM_001018113.3(FANCB):c.235T>C (p.Cys79Arg)

Gene: FANCB (FA complementation group B; minus strand). Cytogenetic location: Xp22.2.
Variant type: single nucleotide variant.
Coding change: c.235T>C on transcript NM_001018113.3 (MANE Select); coding-DNA position 235, T replaced by C.
Protein change: p.Cys79Arg; replaces cysteine 79 with arginine.
Molecular consequence: missense variant. On other transcripts: non-coding transcript variant (1).
Genome position (GRCh38, 1-based): chrX:14,865,276, A>G on the plus strand (T>C on the coding strand, the complement: FANCB is on the minus strand). VCF-style: chrX-14865276-A-G. GRCh37 (hg19) VCF-style: chrX-14883398-A-G.
Other names: c.235T>C, p.Cys79Arg (NM_001324162.2, NM_152633.4); short protein forms C79R.
Identifiers: ClinVar variation 246614 (VCV000246614.8), dbSNP rs879254329, ClinGen allele CA10584657.
Genomic context (GRCh38, chrX:14,865,276, plus strand): 5'-TTTTTTCTATCACAATGTAAGGGAGGTTAATTCCAGTTCTGAAATCTGACACACAGTTGC[A>G]ACACATGATTTTTAAATGAGAGTTTTCTTCCTTTATGGTAAAAAATCCAGTGGACTTCTG-3'
Protein context (NP_001018123.1, residues 69-89): EENSHLKIMC[Cys79Arg]NCVSDFRTGI

ClinVar aggregate classification (germline): Likely pathogenic (1 of 4 stars; one submission).

Conditions:
Fanconi anemia (FA). Also called: Fanconi's anemia. Identifiers: Orphanet 84, MedGen C0015625, MeSH D005199, MONDO:0019391.

Submission:

Labcorp Genetics (formerly Invitae), Labcorp
Classification: Likely pathogenic for Fanconi anemia. Last evaluated: 2016-08-24. Review status: criteria provided, single submitter. Criteria: Invitae Variant Classification Sherloc (09022015). Collection method: clinical testing. Allele origin: germline.
Comment: This variant has not been reported in the literature in individuals with a FANCB-related disease. However, this variant has been shown to arise de novo in an individual affected with Fanconi anemia (Invitae database). Algorithms developed to predict the effect of missense changes on protein structure and function do not agree on the potential impact of this missense change (SIFT: "Deleterious"; PolyPhen-2: "Probably Damaging"; Align-GVGD: "Class C0"). This variant is not present in population databases (ExAC no frequency). This sequence change replaces cysteine with arginine at codon 79 of the FANCB protein (p.Cys79Arg). The cysteine residue is highly conserved and there is a large physicochemical difference between cysteine and arginine. However, without additional functional and/or genetic data, this variant has been classified as Likely Pathogenic.